The following is an entry in ClinVar:

ClinVar aggregate classification (germline): Uncertain significance. Review status: criteria provided, multiple submitters, no conflicts (2 of 4 stars). 2 submissions from 2 submitters: Uncertain significance (2). Last evaluated 2025-04-24.

gnomAD v4.1: 1 of 1,582,494 alleles (0.000063%); highest among the groups gnomAD compares: Admixed American, 0.0018%; no homozygotes.

Submissions (2):

Ambry Genetics
Classification: Uncertain significance. Last evaluated: 2025-04-24. Review status: criteria provided, single submitter. Criteria: Ambry Variant Classification Scheme 2023. Collection method: clinical testing. Allele origin: germline.

Labcorp Genetics (formerly Invitae), Labcorp
Classification: Uncertain significance. Last evaluated: 2023-07-20. Review status: criteria provided, single submitter. Criteria: Invitae Variant Classification Sherloc (09022015). Collection method: clinical testing. Allele origin: germline.
Comment: In summary, the available evidence is currently insufficient to determine the role of this variant in disease. Therefore, it has been classified as a Variant of Uncertain Significance. Advanced modeling of protein sequence and biophysical properties (such as structural, functional, and spatial information, amino acid conservation, physicochemical variation, residue mobility, and thermodynamic stability) performed at Invitae indicates that this missense variant is expected to disrupt AK7 protein function. This variant has not been reported in the literature in individuals affected with AK7-related conditions. This variant is present in population databases (no rsID available, gnomAD 0.004%). This sequence change replaces valine, which is neutral and non-polar, with phenylalanine, which is neutral and non-polar, at codon 325 of the AK7 protein (p.Val325Phe).

NM_152327.5(AK7):c.973G>T (p.Val325Phe)

Gene: AK7 (adenylate kinase 7; plus strand). Cytogenetic location: 14q32.2.
Variant type: single nucleotide variant.
Coding change: c.973G>T on transcript NM_152327.5 (MANE Select); coding-DNA position 973, G replaced by T.
Protein change: p.Val325Phe; replaces valine 325 with phenylalanine.
Molecular consequence: missense variant.
Genome position (GRCh38, 1-based): chr14:96,451,445, G>T. VCF-style: chr14-96451445-G-T. GRCh37 (hg19) VCF-style: chr14-96917782-G-T.
Other names: c.973G>T, p.Val325Phe (NM_001350888.2, NM_001350890.2, NM_001350892.2); c.895G>T, p.Val299Phe (NM_001350891.2); c.973G>T (NM_152327.2); short protein forms V325F, V299F.
Identifiers: ClinVar variation 3006574 (VCV003006574.2), dbSNP rs1312215277, ClinGen allele CA390913705.